The following is an entry in ClinVar:

NM_206926.2(SELENON):c.301+900A>T

Gene: SELENON (selenoprotein N; plus strand). Cytogenetic location: 1p36.11.
Variant type: single nucleotide variant.
Coding change: c.301+900A>T on transcript NM_206926.2 (MANE Select); 900 bases into the intron after coding-DNA position 301, A replaced by T.
Molecular consequence: intron variant. On other transcripts: missense variant (1).
Genome position (GRCh38, 1-based): chr1:25,802,060, A>T. VCF-style: chr1-25802060-A-T. GRCh37 (hg19) VCF-style: chr1-26128551-A-T.
Other names: c.346A>T, p.Ser116Cys (NM_020451.3); short protein forms S116C.
Identifiers: ClinVar variation 3707043 (VCV003707043.1).
Genomic context (GRCh38, chr1:25,802,060, plus strand): 5'-TTTTTTTTTGAGACAGGGTCTTGTTCTGTCACCCAGACTGGAGTGCAGTGGTGCAGTCAC[A>T]GCTCACTGCAGCCTCAACTTCCCTGGCTCAATTGATCCTCCTGCCTCAGCCTCCTGAGTA-3'

ClinVar aggregate classification (germline): Uncertain significance (1 of 4 stars; one submission).

Conditions:
Eichsfeld type congenital muscular dystrophy (CMYO3). Also called: Rigid spine muscular dystrophy 1; MYOPATHY, SEPN1-RELATED; SELENON-related myopathy; Congenital myopathy 3 with rigid spine. Identifiers: MedGen C0410180, MONDO:0100100, OMIM 602771.

Submission:

Labcorp Genetics (formerly Invitae), Labcorp
Classification: Uncertain significance for Eichsfeld type congenital muscular dystrophy. Last evaluated: 2024-12-31. Review status: criteria provided, single submitter. Criteria: Invitae Variant Classification Sherloc (09022015). Collection method: clinical testing. Allele origin: germline.
Comment: This sequence change replaces serine, which is neutral and polar, with cysteine, which is neutral and slightly polar, at codon 116 of the SELENON protein (p.Ser116Cys). This variant is present in population databases (no rsID available, gnomAD 0.007%). This variant has not been reported in the literature in individuals affected with SELENON-related conditions. An algorithm developed to predict the effect of missense changes on protein structure and function (PolyPhen-2) suggests that this variant¬†is likely to be tolerated. In summary, the available evidence is currently insufficient to determine the role of this variant in disease. Therefore, it has been classified as a Variant of Uncertain Significance.